The following is an entry in ClinVar:

ClinVar aggregate classification (germline): Uncertain significance (1 of 4 stars; one submission).

gnomAD v4.1: 12 of 1,614,002 alleles (0.00074%); highest among the groups gnomAD compares: African/African-American, 0.016%; no homozygotes.

Submission:

Labcorp Genetics (formerly Invitae), Labcorp
Classification: Uncertain significance. Last evaluated: 2024-05-15. Review status: criteria provided, single submitter. Criteria: Invitae Variant Classification Sherloc (09022015). Collection method: clinical testing. Allele origin: germline.
Comment: This sequence change replaces tyrosine, which is neutral and polar, with cysteine, which is neutral and slightly polar, at codon 566 of the GHR protein (p.Tyr566Cys). This variant is present in population databases (rs772267292, gnomAD 0.007%). This variant has not been reported in the literature in individuals affected with GHR-related conditions. Advanced modeling of protein sequence and biophysical properties (such as structural, functional, and spatial information, amino acid conservation, physicochemical variation, residue mobility, and thermodynamic stability) performed at Invitae indicates that this missense variant is expected to disrupt GHR protein function with a positive predictive value of 80%. In summary, the available evidence is currently insufficient to determine the role of this variant in disease. Therefore, it has been classified as a Variant of Uncertain Significance.

NM_000163.5(GHR):c.1697A>G (p.Tyr566Cys)

Gene: GHR (growth hormone receptor; plus strand). Cytogenetic location: 5p12.
Variant type: single nucleotide variant.
Coding change: c.1697A>G on transcript NM_000163.5 (MANE Select); coding-DNA position 1697, A replaced by G.
Protein change: p.Tyr566Cys; replaces tyrosine 566 with cysteine.
Molecular consequence: missense variant. On other transcripts: 3 prime UTR variant (1).
Genome position (GRCh38, 1-based): chr5:42,719,204, A>G. VCF-style: chr5-42719204-A-G. GRCh37 (hg19) VCF-style: chr5-42719306-A-G.
Other names: c.1718A>G, p.Tyr573Cys (NM_001242399.2); c.1697A>G, p.Tyr566Cys (NM_001242400.2, NM_001242401.4, NM_001242402.2 and 4 more transcripts); c.1631A>G, p.Tyr544Cys (NM_001242460.2); c.*739A>G (NM_001242462.1); short protein forms Y544C, Y566C, Y573C.
Identifiers: ClinVar variation 3616661 (VCV003616661.2).